The following is an entry in ClinVar:

NM_032444.4(SLX4):c.392G>A (p.Ser131Asn)

Gene: SLX4 (SLX4 structure-specific endonuclease subunit; minus strand). Cytogenetic location: 16p13.3.
Variant type: single nucleotide variant.
Coding change: c.392G>A on transcript NM_032444.4 (MANE Select); coding-DNA position 392, G replaced by A.
Protein change: p.Ser131Asn; replaces serine 131 with asparagine.
Molecular consequence: missense variant.
Genome position (GRCh38, 1-based): chr16:3,608,573, C>T on the plus strand (G>A on the coding strand, the complement: SLX4 is on the minus strand). VCF-style: chr16-3608573-C-T. GRCh37 (hg19) VCF-style: chr16-3658574-C-T.
Other names: short protein forms S131N.
Identifiers: ClinVar variation 1003893 (VCV001003893.8), dbSNP rs2040812388, ClinGen allele CA394547321.

ClinVar aggregate classification (germline): Uncertain significance (1 of 4 stars; one submission).

Conditions:
Fanconi anemia (FA). Also called: Fanconi's anemia. Identifiers: Orphanet 84, MedGen C0015625, MeSH D005199, MONDO:0019391.

Submission:

Labcorp Genetics (formerly Invitae), Labcorp
Classification: Uncertain significance for Fanconi anemia. Last evaluated: 2020-07-12. Review status: criteria provided, single submitter. Criteria: Invitae Variant Classification Sherloc (09022015). Collection method: clinical testing. Allele origin: germline.
Comment: This variant has not been reported in the literature in individuals with SLX4-related conditions. Algorithms developed to predict the effect of missense changes on protein structure and function output the following: SIFT: "Tolerated"; PolyPhen-2: "Benign"; Align-GVGD: "Class C0". The asparagine amino acid residue is found in multiple mammalian species, suggesting that this missense change does not adversely affect protein function. These predictions have not been confirmed by published functional studies and their clinical significance is uncertain. In summary, the available evidence is currently insufficient to determine the role of this variant in disease. Therefore, it has been classified as a Variant of Uncertain Significance. This sequence change replaces serine with asparagine at codon 131 of the SLX4 protein (p.Ser131Asn). The serine residue is weakly conserved and there is a small physicochemical difference between serine and asparagine. This variant is not present in population databases (ExAC no frequency).